The following is an entry in ClinVar:

ClinVar aggregate classification (germline): Pathogenic (1 of 4 stars; one submission).

Conditions:
Primary immunodeficiency or monogenic inflammatory bowel disease.

Submission:

North West Genomic Laboratory Hub, Manchester University NHS Foundation Trust
Classification: Pathogenic for Primary immunodeficiency or monogenic inflammatory bowel disease. Last evaluated: 2026-09-17. Review status: criteria provided, single submitter. Criteria: ACGS Best Practice Guidelines for Variant Classification in Rare Disease 2024. Collection method: clinical testing. Allele origin: germline. Affected: yes.
Comment: PVS1_VStr PM2_Mod

NM_016306.6(DNAJB11):c.298_299del (p.Ser100fs)

Gene: DNAJB11 (DnaJ heat shock protein family (Hsp40) member B11; plus strand). Cytogenetic location: 3q27.3.
Variant type: Microsatellite.
Coding change: c.298_299del on transcript NM_016306.6 (MANE Select); coding-DNA positions 298 to 299, 2 bases deleted (AG; older notation c.298_299delAG).
Protein change: p.Ser100fs; shifts the reading frame from serine 100.
Molecular consequence: frameshift variant. On other transcripts: non-coding transcript variant (6).
Genome position (GRCh38, 1-based): chr3:186,575,912-186,575,913, AG deleted; deleting any 2 consecutive bases within chr3:186,575,910-186,575,913 gives the same sequence; the c. name uses the placement nearest the transcript's 3' end. VCF-style (leftmost placement, unchanged base first): chr3-186575909-CAG-C. GRCh37 (hg19) VCF-style: chr3-186293698-CAG-C.
Other names: c.298_299del, p.Ser100fs (NM_001378451.1); short protein forms S100fs.
Identifiers: ClinVar variation 5010326 (VCV005010326.1).